The following is an entry in ClinVar:

ClinVar aggregate classification (germline): Likely pathogenic (1 of 4 stars; one submission).

Conditions:
Early-infantile DEE. Also called: Ohtahara syndrome; Early infantile epileptic encephalopathy with suppression bursts; Early infantile epileptic encephalopathy. Identifiers: Orphanet 1934, MedGen C0393706, MONDO:0800491.

Submission:

Labcorp Genetics (formerly Invitae), Labcorp
Classification: Likely pathogenic for Early-infantile DEE. Last evaluated: 2022-07-23. Review status: criteria provided, single submitter. Criteria: Invitae Variant Classification Sherloc (09022015). Collection method: clinical testing. Allele origin: germline.
Comment: ClinVar contains an entry for this variant (Variation ID: 854648). This missense change has been observed in individual(s) with clinical features of SCN1A-related conditions (Invitae). In summary, the currently available evidence indicates that the variant is pathogenic, but additional data are needed to prove that conclusively. Therefore, this variant has been classified as Likely Pathogenic. This variant disrupts the p.Glu788 amino acid residue in SCN1A. Other variant(s) that disrupt this residue have been determined to be pathogenic (PMID: 18076640, 32090326, 32581296). This suggests that this residue is clinically significant, and that variants that disrupt this residue are likely to be disease-causing. Advanced modeling of protein sequence and biophysical properties (such as structural, functional, and spatial information, amino acid conservation, physicochemical variation, residue mobility, and thermodynamic stability) performed at Invitae indicates that this missense variant is expected to disrupt SCN1A protein function. This variant is not present in population databases (gnomAD no frequency). This sequence change replaces glutamic acid, which is acidic and polar, with valine, which is neutral and non-polar, at codon 788 of the SCN1A protein (p.Glu788Val).

Literature cited by the submitters: PubMed 18076640; PubMed 32090326; PubMed 32581296.

NM_001165963.4(SCN1A):c.2363A>T (p.Glu788Val)

Gene: SCN1A (sodium voltage-gated channel alpha subunit 1; minus strand). Cytogenetic location: 2q24.3.
Variant type: single nucleotide variant.
Coding change: c.2363A>T on transcript NM_001165963.4 (MANE Select); coding-DNA position 2363, A replaced by T.
Protein change: p.Glu788Val; replaces glutamic acid 788 with valine.
Molecular consequence: missense variant. On other transcripts: 5 prime UTR variant (1), non-coding transcript variant (1).
Genome position (GRCh38, 1-based): chr2:166,041,283, T>A on the plus strand (A>T on the coding strand, the complement: SCN1A is on the minus strand). VCF-style: chr2-166041283-T-A. GRCh37 (hg19) VCF-style: chr2-166897793-T-A.
Other names: c.2279A>T, p.Glu760Val (NM_001165964.3, NM_001353957.2, NM_001353958.2); c.2363A>T, p.Glu788Val (NM_001202435.3, NM_001353948.2); c.2330A>T, p.Glu777Val (NM_001353949.2, NM_001353950.2, NM_001353951.2 and 2 more transcripts); c.2327A>T, p.Glu776Val (NM_001353954.2, NM_001353955.2); c.2276A>T, p.Glu759Val (NM_001353960.2); c.-96A>T (NM_001353961.2); short protein forms E760V, E777V, E759V, E776V, E788V.
Identifiers: ClinVar variation 854648 (VCV000854648.10), dbSNP rs1697134047, ClinGen allele CA349063990.